The following is an entry in ClinVar:

ClinVar aggregate classification (germline): Uncertain significance (1 of 4 stars; one submission).

gnomAD v4.1: 4 of 1,614,144 alleles (0.00025%); highest among the groups gnomAD compares: Non-Finnish European, 0.00034%; no homozygotes.

Submission:

Ambry Genetics
Classification: Uncertain significance. Last evaluated: 2022-04-07. Review status: criteria provided, single submitter. Criteria: Ambry Variant Classification Scheme 2023. Collection method: clinical testing. Allele origin: germline.
Comment: The p.A118G variant (also known as c.353C>G), located in coding exon 6 of the NPAT gene, results from a C to G substitution at nucleotide position 353. The alanine at codon 118 is replaced by glycine, an amino acid with similar properties. This amino acid position is conserved. In addition, this alteration is predicted to be tolerated by in silico analysis. Since supporting evidence is limited at this time, the clinical significance of this alteration remains unclear.

NM_002519.3(NPAT):c.353C>G (p.Ala118Gly)

Gene: NPAT (nuclear protein, coactivator of histone transcription; minus strand). Cytogenetic location: 11q22.3.
Variant type: single nucleotide variant.
Coding change: c.353C>G on transcript NM_002519.3 (MANE Select); coding-DNA position 353, C replaced by G.
Protein change: p.Ala118Gly; replaces alanine 118 with glycine.
Molecular consequence: missense variant.
Genome position (GRCh38, 1-based): chr11:108,189,309, G>C on the plus strand (C>G on the coding strand, the complement: NPAT is on the minus strand). VCF-style: chr11-108189309-G-C. GRCh37 (hg19) VCF-style: chr11-108060036-G-C.
Other names: c.353C>G, p.Ala118Gly (NM_001321307.1); short protein forms A118G.
Identifiers: ClinVar variation 1732445 (VCV001732445.2), dbSNP rs571718179, ClinGen allele CA382525431.